The following is an entry in ClinVar:

ClinVar aggregate classification (germline): Benign (1 of 4 stars; one submission).

Allele frequency attached by ClinVar (database versions not stated): 1000 Genomes Project 30x 0.21393; gnomAD 0.21412 and 0.21602; TOPMed 0.21472; 1000 Genomes Project 0.21765.
gnomAD v4.1: 32,895 of 152,022 alleles (22%); highest among the groups gnomAD compares: Middle Eastern, 39%; 3,680 homozygotes.

Submission:

GeneDx
Classification: Benign. Last evaluated: 2018-06-19. Review status: criteria provided, single submitter. Criteria: GeneDx Variant Classification (06012015). Collection method: clinical testing. Allele origin: germline. Affected: yes.
Comment: This variant is considered likely benign or benign based on one or more of the following criteria: it is a conservative change, it occurs at a poorly conserved position in the protein, it is predicted to be benign by multiple in silico algorithms, and/or has population frequency not consistent with disease.

NM_005045.4(RELN):c.1554+235A>G

Gene: RELN (reelin; minus strand). Cytogenetic location: 7q22.1.
Variant type: single nucleotide variant.
Coding change: c.1554+235A>G on transcript NM_005045.4 (MANE Select); 235 bases into the intron after coding-DNA position 1554, A replaced by G.
Molecular consequence: intron variant.
Genome position (GRCh38, 1-based): chr7:103,653,858, T>C on the plus strand (A>G on the coding strand, the complement: RELN is on the minus strand). VCF-style: chr7-103653858-T-C. GRCh37 (hg19) VCF-style: chr7-103294305-T-C.
Other names: c.1554+235A>G (NM_173054.3).
Identifiers: ClinVar variation 669112 (VCV000669112.1), dbSNP rs2240965, ClinGen allele CA163942226.
Genomic context (GRCh38, chr7:103,653,858, plus strand): 5'-GAGTTACATTTAGGGCTTTCTTGGGGACAAGAATAACTGTCAGAGTATTGGGTTCTGCCT[T>C]ACTGTCTGATGGACTGTAATTCACTCTTCCTTCCTGATAACTCATTTTTCATTTGTATTA-3'